The following is an entry in ClinVar:

NC_000002.11:g.(?_238274642)_(238275889_?)del

Gene: COL6A3 (collagen type VI alpha 3 chain; minus strand). Cytogenetic location: 2q37.3.
Variant type: Deletion.
Identifiers: ClinVar variation 3247417 (VCV003247417.1).

ClinVar aggregate classification (germline): Uncertain significance (1 of 4 stars; one submission).

Conditions:
Bethlem myopathy 1A. Also called: MYOPATHY, BENIGN CONGENITAL, WITH CONTRACTURES; Bethlem myopathy 1; Bethlem Muscular Dystrophy. Identifiers: Orphanet 610, MedGen CN029274, MONDO:0024530, OMIM 158810.

Submission:

Labcorp Genetics (formerly Invitae), Labcorp
Classification: Uncertain significance for Bethlem myopathy 1A. Last evaluated: 2023-12-21. Review status: criteria provided, single submitter. Criteria: Invitae Variant Classification Sherloc (09022015). Collection method: clinical testing. Allele origin: unknown.
Comment: This variant results in the deletion of part of exon 11 and part of exon 12 (c.4941_5537del) of the COL6A3 gene. This variant would be expected to be in-frame, preserving the integrity of the reading frame. A similar copy number variant has been observed in individual(s) with clinical features of COL6A3-related conditions (Invitae). Experimental studies and prediction algorithms are not available or were not evaluated, and the functional significance of this variant is currently unknown. In summary, the available evidence is currently insufficient to determine the role of this variant in disease. Therefore, it has been classified as a Variant of Uncertain Significance.